The following is an entry in ClinVar:

NM_000044.6(AR):c.2046G>T (p.Glu682Asp)

Gene: AR (androgen receptor; plus strand). Cytogenetic location: Xq12.
Variant type: single nucleotide variant.
Coding change: c.2046G>T on transcript NM_000044.6 (MANE Select); coding-DNA position 2046, G replaced by T.
Protein change: p.Glu682Asp; replaces glutamic acid 682 with aspartic acid.
Molecular consequence: missense variant.
Genome position (GRCh38, 1-based): chrX:67,711,562, G>T. VCF-style: chrX-67711562-G-T. GRCh37 (hg19) VCF-style: chrX-66931404-G-T.
Other names: c.450G>T, p.Glu150Asp (NM_001011645.3); short protein forms E150D, E682D.
Identifiers: ClinVar variation 3759647 (VCV003759647.2).

ClinVar aggregate classification (germline): Likely pathogenic (1 of 4 stars; one submission).

Conditions:
Kennedy disease (SMAX1). Also called: SPINAL AND BULBAR MUSCULAR ATROPHY, X-LINKED 1; KENNEDY SPINAL AND BULBAR MUSCULAR ATROPHY; Spinal and Bulbar Muscular Atrophy. Identifiers: Orphanet 481, MedGen C1839259, MONDO:0010735, OMIM 313200.
Androgen resistance syndrome (AIS). Also called: ANDROGEN RECEPTOR DEFICIENCY; DIHYDROTESTOSTERONE RECEPTOR DEFICIENCY; TESTICULAR FEMINIZATION SYNDROME; Androgen insensitivity syndrome; Androgen insensitivity; DHTR DEFICIENCY. Identifiers: Orphanet 754, Orphanet 99429, MedGen C0039585, MONDO:0019154, OMIM 300068. Disease mechanism: loss of function.

Submission:

Labcorp Genetics (formerly Invitae), Labcorp
Classification: Likely pathogenic for Kennedy disease; Androgen resistance syndrome. Last evaluated: 2024-11-15. Review status: criteria provided, single submitter. Criteria: Invitae Variant Classification Sherloc (09022015). Collection method: clinical testing. Allele origin: germline.
Comment: This sequence change replaces glutamic acid, which is acidic and polar, with aspartic acid, which is acidic and polar, at codon 682 of the AR protein (p.Glu682Asp). This variant is not present in population databases (gnomAD no frequency). This missense change has been observed in individual(s) with androgen insensitivity syndrome (PMID: 19953479). It has also been observed to segregate with disease in related individuals. This variant is also known as E681D. Invitae Evidence Modeling of protein sequence and biophysical properties (such as structural, functional, and spatial information, amino acid conservation, physicochemical variation, residue mobility, and thermodynamic stability) indicates that this missense variant is expected to disrupt AR protein function with a positive predictive value of 80%. This variant disrupts the p.Glu682 amino acid residue in AR. Other variant(s) that disrupt this residue have been observed in individuals with AR-related conditions (PMID: 8723113), which suggests that this may be a clinically significant amino acid residue. In summary, the currently available evidence indicates that the variant is pathogenic, but additional data are needed to prove that conclusively. Therefore, this variant has been classified as Likely Pathogenic.

Literature cited by the submitters: PubMed 19953479; PubMed 8723113.